The following is an entry in ClinVar:

ClinVar aggregate classification (germline): Uncertain significance. Review status: criteria provided, multiple submitters, no conflicts (2 of 4 stars). 3 submissions from 3 submitters: Uncertain significance (3). Last evaluated 2025-02-03.

Conditions:
Hereditary cancer-predisposing syndrome. Also called: Neoplastic Syndromes, Hereditary; Tumor predisposition; Hereditary Cancer Syndrome; Hereditary neoplastic syndrome. Identifiers: Orphanet 140162, MedGen C0027672, MeSH D009386, MONDO:0015356.

Allele frequency attached by ClinVar (database versions not stated): gnomAD exomes below 0.00001.
gnomAD v4.1: 1 of 1,592,504 alleles (0.000063%); highest among the groups gnomAD compares: Non-Finnish European, 0.000085%; no homozygotes.

Submissions (3):

Ambry Genetics
Classification: Uncertain significance for Hereditary cancer-predisposing syndrome. Last evaluated: 2025-02-03. Review status: criteria provided, single submitter. Criteria: Ambry Variant Classification Scheme 2023. Collection method: clinical testing. Allele origin: germline.
Comment: The p.P383L variant (also known as c.1148C>T), located in coding exon 9 of the SMARCB1 gene, results from a C to T substitution at nucleotide position 1148. The proline at codon 383 is replaced by leucine, an amino acid with similar properties. This amino acid position is highly conserved in available vertebrate species. In addition, this alteration is predicted to be deleterious by in silico analysis. Based on the available evidence, the clinical significance of this variant remains unclear.

Labcorp Genetics (formerly Invitae), Labcorp
Classification: Uncertain significance. Last evaluated: 2023-09-08. Review status: criteria provided, single submitter. Criteria: Invitae Variant Classification Sherloc (09022015). Collection method: clinical testing. Allele origin: germline.
Comment: In summary, the available evidence is currently insufficient to determine the role of this variant in disease. Therefore, it has been classified as a Variant of Uncertain Significance. This sequence change replaces proline, which is neutral and non-polar, with leucine, which is neutral and non-polar, at codon 383 of the SMARCB1 protein (p.Pro383Leu). This variant is not present in population databases (gnomAD no frequency). This variant has not been reported in the literature in individuals affected with SMARCB1-related conditions. ClinVar contains an entry for this variant (Variation ID: 1710405). An algorithm developed to predict the effect of missense changes on protein structure and function (PolyPhen-2) suggests that this variant is likely to be disruptive.

Greenwood Genetic Center Diagnostic Laboratories, Greenwood Genetic Center
Classification: Uncertain significance. Last evaluated: 2022-09-20. Review status: criteria provided, single submitter. Criteria: ACMG Guidelines, 2015. Collection method: clinical testing. Allele origin: germline. Affected: yes.
Comment: PM2, PP2, PP3

NM_003073.5(SMARCB1):c.1148C>T (p.Pro383Leu)

Gene: SMARCB1 (SWI/SNF related BAF chromatin remodeling complex subunit B1; plus strand). Cytogenetic location: 22q11.23.
Variant type: single nucleotide variant.
Coding change: c.1148C>T on transcript NM_003073.5 (MANE Select); coding-DNA position 1148, C replaced by T.
Protein change: p.Pro383Leu; replaces proline 383 with leucine.
Molecular consequence: missense variant.
Genome position (GRCh38, 1-based): chr22:23,834,170, C>T. VCF-style: chr22-23834170-C-T. GRCh37 (hg19) VCF-style: chr22-24176357-C-T.
Other names: c.1121C>T, p.Pro374Leu (NM_001007468.3); c.1175C>T, p.Pro392Leu (NM_001317946.2); c.1202C>T, p.Pro401Leu (NM_001362877.2); short protein forms P374L, P383L, P392L, P401L.
Identifiers: ClinVar variation 1710405 (VCV001710405.7), dbSNP rs2146045242, ClinGen allele CA410914758.